The following is an entry in ClinVar:

ClinVar aggregate classification (germline): Uncertain significance (1 of 4 stars; one submission).

Conditions:
Left ventricular noncompaction 1 (LVNC1). Also called: LEFT VENTRICULAR NONCOMPACTION 1 WITH OR WITHOUT CONGENITAL HEART DEFECTS. Identifiers: Orphanet 54260, MedGen C1858725, MONDO:0011403, OMIM 604169.

gnomAD v4.1: 3 of 1,613,902 alleles (0.00019%); highest among the groups gnomAD compares: Non-Finnish European, 0.00025%; no homozygotes.

Submission:

Labcorp Genetics (formerly Invitae), Labcorp
Classification: Uncertain significance for Left ventricular noncompaction 1. Last evaluated: 2025-07-25. Review status: criteria provided, single submitter. Criteria: Invitae Variant Classification Sherloc (09022015). Collection method: clinical testing. Allele origin: germline.
Comment: This sequence change falls in intron 18 of the DTNA gene. It does not directly change the encoded amino acid sequence of the DTNA protein. This variant is present in population databases (rs766812223, gnomAD 0.0009%). This variant has not been reported in the literature in individuals affected with DTNA-related conditions. Algorithms developed to predict the effect of sequence changes on RNA splicing suggest that this variant may create or strengthen a splice site. In summary, the available evidence is currently insufficient to determine the role of this variant in disease. Therefore, it has been classified as a Variant of Uncertain Significance.

NM_001386795.1(DTNA):c.1994-12T>C

Gene: DTNA (dystrobrevin alpha; plus strand). Cytogenetic location: 18q12.1.
Variant type: single nucleotide variant.
Coding change: c.1994-12T>C on transcript NM_001386795.1 (MANE Select); 12 bases into the intron before coding-DNA position 1994, T replaced by C.
Molecular consequence: intron variant.
Genome position (GRCh38, 1-based): chr18:34,879,539, T>C. VCF-style: chr18-34879539-T-C. GRCh37 (hg19) VCF-style: chr18-32459503-T-C.
Other names: c.1742-12T>C (NM_032975.4, NM_001386761.1); c.1739-12T>C (NM_001386762.1); c.1823-12T>C (NM_001386754.1, NM_001386755.1, NM_001386757.1 and 3 more transcripts); c.1820-12T>C (NM_001386760.1); c.1733-12T>C (NM_001386763.1, NM_001386764.1, NM_001198940.2 and 5 more transcripts); c.1730-12T>C (NM_001386768.1, NM_001386769.1); c.1754-12T>C (NM_001198939.2); c.1994-12T>C (NM_001386788.1); and 5 more.
Identifiers: ClinVar variation 4692441 (VCV004692441.1).
Genomic context (GRCh38, chr18:34,879,539, plus strand): 5'-CCTACTCCTTTATTTGCAGGTCATAAAAAAATCTAACGAGTCATTCTTTATTTCTTCAAT[T>C]GTATCTGCTAGAGGTTGGGAGTGAAACAGAGAGTAATGTGGATTCTGAATTTGCACGGAC-3'